The following is an entry in ClinVar:

NC_000012.12:g.57128474C>G

Gene: LRP1 (LDL receptor related protein 1; plus strand). Cytogenetic location: 12q13.3.
Variant type: single nucleotide variant.
Genome position: GRCh38 VCF-style: chr12-57128474-C-G. GRCh37 (hg19) VCF-style: chr12-57522257-C-G.
Identifiers: ClinVar variation 1297211 (VCV001297211.4), dbSNP rs138854007, ClinGen allele CA237750025.

ClinVar aggregate classification (germline): Benign. Review status: criteria provided, multiple submitters, no conflicts (2 of 4 stars). 2 submissions from 2 submitters: Benign (2). Last evaluated 2021-06-19.

Allele frequency attached by ClinVar (database versions not stated): 1000 Genomes Project 0.02855; 1000 Genomes Project 30x 0.02920; TOPMed 0.05250.

Submissions (2):

GeneDx
Classification: Benign. Last evaluated: 2021-06-19. Review status: criteria provided, single submitter. Criteria: GeneDx Variant Classification Process June 2021. Collection method: clinical testing. Allele origin: germline. Affected: yes.
Comment: This variant is associated with the following publications: (PMID: 24529141, 12402342)

Breakthrough Genomics
Classification: Benign. Review status: criteria provided, single submitter. Criteria: ACMG Guidelines, 2015. Collection method: not provided. Allele origin: germline. Inheritance: Autosomal recessive inheritance. Affected: yes.